The following is an entry in ClinVar:

NM_024854.5(PYROXD1):c.190G>A (p.Asp64Asn)

Gene: PYROXD1 (pyridine nucleotide-disulphide oxidoreductase domain 1; plus strand). Cytogenetic location: 12p12.1.
Variant type: single nucleotide variant.
Coding change: c.190G>A on transcript NM_024854.5 (MANE Select); coding-DNA position 190, G replaced by A.
Protein change: p.Asp64Asn; replaces aspartic acid 64 with asparagine.
Molecular consequence: missense variant. On other transcripts: 5 prime UTR variant (2).
Genome position (GRCh38, 1-based): chr12:21,445,371, G>A. VCF-style: chr12-21445371-G-A. GRCh37 (hg19) VCF-style: chr12-21598305-G-A.
Other names: c.-24G>A (NM_001350912.2); c.-514G>A (NM_001350913.2); c.190G>A (NM_024854.3); short protein forms D64N.
Identifiers: ClinVar variation 2080718 (VCV002080718.4), dbSNP rs776874666, ClinGen allele CA6478136.

ClinVar aggregate classification (germline): Uncertain significance. Review status: criteria provided, multiple submitters, no conflicts (2 of 4 stars). 2 submissions from 2 submitters: Uncertain significance (2). Last evaluated 2023-04-07.

Conditions:
Inborn genetic diseases. Identifiers: MedGen C0950123, MeSH D030342.

gnomAD v4.1: 24 of 1,600,488 alleles (0.0015%); highest among the groups gnomAD compares: Admixed American, 0.0035%; no homozygotes.

Submissions (2):

Ambry Genetics
Classification: Uncertain significance for Inborn genetic diseases. Last evaluated: 2023-04-07. Review status: criteria provided, single submitter. Criteria: Ambry Variant Classification Scheme 2023. Collection method: clinical testing. Allele origin: germline.

Labcorp Genetics (formerly Invitae), Labcorp
Classification: Uncertain significance. Last evaluated: 2022-03-09. Review status: criteria provided, single submitter. Criteria: Invitae Variant Classification Sherloc (09022015). Collection method: clinical testing. Allele origin: germline.
Comment: In summary, the available evidence is currently insufficient to determine the role of this variant in disease. Therefore, it has been classified as a Variant of Uncertain Significance. Algorithms developed to predict the effect of missense changes on protein structure and function are either unavailable or do not agree on the potential impact of this missense change (SIFT: "Deleterious"; PolyPhen-2: "Benign"; Align-GVGD: "Class C0"). This variant has not been reported in the literature in individuals affected with PYROXD1-related conditions. This variant is present in population databases (rs776874666, gnomAD 0.002%). This sequence change replaces aspartic acid, which is acidic and polar, with asparagine, which is neutral and polar, at codon 64 of the PYROXD1 protein (p.Asp64Asn).